The following is an entry in ClinVar:

ClinVar aggregate classification (germline): Pathogenic/Likely pathogenic. Review status: criteria provided, multiple submitters, no conflicts (2 of 4 stars). 2 submissions from 2 submitters: Pathogenic (1); Likely pathogenic (1). Last evaluated 2024-11-18.

Conditions:
Propionic acidemia (PROP). Also called: GLYCINEMIA, KETOTIC; HYPERGLYCINEMIA WITH KETOACIDOSIS AND LEUKOPENIA; KETOTIC HYPERGLYCINEMIA. Identifiers: Orphanet 35, MedGen C0268579, MONDO:0011628, OMIM 606054, HP:0003571.

Submissions (2):

Natera, Inc.
Classification: Likely pathogenic for Propionic acidemia. Last evaluated: 2024-11-18. Review status: criteria provided, single submitter. Criteria: Natera Variant Classification Schema (03/2026). Collection method: clinical testing. Allele origin: germline.
Comment: The c.1677G>A variant in PCCA is a nonsense variant predicted to introduce a stop codon at amino acid 559. This variant is expected to result in nonsense mediated decay, truncation, or a dysfunctional protein product. This variant is rare in the general population with a frequency below the threshold expected for the associated phenotype(s). Given the available evidence, this variant is classified as Likely Pathogenic.

Myriad Genetics, Inc.
Classification: Pathogenic for Propionic acidemia. Last evaluated: 2023-09-10. Review status: criteria provided, single submitter. Criteria: Myriad Autosomal Dominant, Autosomal Recessive and X-Linked Classification Criteria (2023). Collection method: clinical testing. Allele origin: unknown.
Comment: NM_000282.3(PCCA):c.1677G>A(W559*) is expected to be pathogenic in the context of PCCA-related propionic acidemia. This variant is predicted to lead to an abnormal or absent protein product due to the creation of a premature termination codon in PCCA, a gene where loss-of-function variants are known to be pathogenic. Please note: this variant was assessed in the context of healthy population screening.

NM_000282.4(PCCA):c.1677G>A (p.Trp559Ter)

Gene: PCCA (propionyl-CoA carboxylase subunit alpha; plus strand). Cytogenetic location: 13q32.3.
Variant type: single nucleotide variant.
Coding change: c.1677G>A on transcript NM_000282.4 (MANE Select); coding-DNA position 1677, G replaced by A.
Protein change: p.Trp559Ter; replaces tryptophan 559 with a stop codon.
Molecular consequence: nonsense. On other transcripts: non-coding transcript variant (2).
Genome position (GRCh38, 1-based): chr13:100,368,505, G>A. VCF-style: chr13-100368505-G-A. GRCh37 (hg19) VCF-style: chr13-101020759-G-A.
Other names: c.588G>A, p.Trp196Ter (NM_001352612.2); c.1599G>A, p.Trp533Ter (NM_001127692.3, NM_001352607.2); c.1677G>A, p.Trp559Ter (NM_001178004.2, NM_001352605.2, NM_001352609.2); c.1533G>A, p.Trp511Ter (NM_001352606.2); c.1455G>A, p.Trp485Ter (NM_001352608.2); c.732G>A, p.Trp244Ter (NM_001352610.2, NM_001352611.2); short protein forms W196*, W244*, W485*, W511*, W533*, W559*.
Identifiers: ClinVar variation 4818101 (VCV004818101.2).
Genomic context (GRCh38, chr13:100,368,505, plus strand): 5'-ACTCTTTTTCTTTTCATTCTACTTCAGAATGCCTGTTATTAAACCAGACATAGCCAACTG[G>A]GAGCTCTCAGTAAAATTGCATGATAAAGTTCATACCGTAGTAGCATCAAACAATGGGTCA-3'